The following is an entry in ClinVar:

ClinVar aggregate classification (germline): Uncertain significance (1 of 4 stars; one submission).

gnomAD v4.1: 1 of 1,524,712 alleles (0.000066%); highest among the groups gnomAD compares: Non-Finnish European, 0.000088%; no homozygotes.

Submission:

Labcorp Genetics (formerly Invitae), Labcorp
Classification: Uncertain significance. Last evaluated: 2024-12-10. Review status: criteria provided, single submitter. Criteria: Invitae Variant Classification Sherloc (09022015). Collection method: clinical testing. Allele origin: germline.
Comment: This sequence change replaces glutamic acid, which is acidic and polar, with glutamine, which is neutral and polar, at codon 96 of the ARIH1 protein (p.Glu96Gln). This variant is not present in population databases (gnomAD no frequency). This variant has not been reported in the literature in individuals affected with ARIH1-related conditions. An algorithm developed to predict the effect of missense changes on protein structure and function (PolyPhen-2) suggests that this variant is likely to be tolerated. In summary, the available evidence is currently insufficient to determine the role of this variant in disease. Therefore, it has been classified as a Variant of Uncertain Significance.

NM_005744.5(ARIH1):c.286G>C (p.Glu96Gln)

Gene: ARIH1 (ariadne RBR E3 ubiquitin protein ligase 1; plus strand). Cytogenetic location: 15q24.1.
Variant type: single nucleotide variant.
Coding change: c.286G>C on transcript NM_005744.5 (MANE Select); coding-DNA position 286, G replaced by C.
Protein change: p.Glu96Gln; replaces glutamic acid 96 with glutamine.
Molecular consequence: missense variant.
Genome position (GRCh38, 1-based): chr15:72,474,925, G>C. VCF-style: chr15-72474925-G-C. GRCh37 (hg19) VCF-style: chr15-72767266-G-C.
Other names: short protein forms E96Q.
Identifiers: ClinVar variation 3680629 (VCV003680629.2).